The following is an entry in ClinVar:

ClinVar aggregate classification (germline): Conflicting classifications of pathogenicity. Review status: criteria provided, conflicting classifications (1 of 4 stars). 4 submissions from 4 submitters: Uncertain significance (1); Benign (2); Likely benign (1). Last evaluated 2025-10-27.

Conditions:
Koolen-de Vries syndrome (KDVS). Identifiers: Orphanet 96169, MedGen C1864871, MONDO:0012496, OMIM 610443.

Allele frequency attached by ClinVar (database versions not stated): gnomAD 0.00004; TOPMed 0.00012; gnomAD exomes 0.00028; ExAC 0.00032.
gnomAD v4.1: 117 of 1,547,666 alleles (0.0076%); highest among the groups gnomAD compares: Admixed American, 0.12%; no homozygotes.

Submissions (4):

Labcorp Genetics (formerly Invitae), Labcorp
Classification: Likely benign for Koolen-de Vries syndrome. Last evaluated: 2025-10-27. Review status: criteria provided, single submitter. Criteria: Invitae Variant Classification Sherloc (09022015). Collection method: clinical testing. Allele origin: germline.

Athena Diagnostics
Classification: Benign. Last evaluated: 2024-04-08. Review status: criteria provided, single submitter. Criteria: Athena Diagnostics Criteria. Collection method: clinical testing. Allele origin: unknown.

GeneDx
Classification: Benign. Last evaluated: 2021-04-21. Review status: criteria provided, single submitter. Criteria: GeneDx Variant Classification Process June 2021. Collection method: clinical testing. Allele origin: germline. Affected: yes.

Center for Genomics, Ann and Robert H. Lurie Children's Hospital of Chicago
Classification: Uncertain significance for Koolen-de Vries syndrome. Last evaluated: 2021-03-30. Review status: criteria provided, single submitter. Criteria: ACMG Guidelines, 2015. Collection method: clinical testing. Allele origin: germline.
Comment: KANSL1 NM_001193466.1 exon 5 p.Thr551Ile (c.1652C>T): This variant has not been reported in the literature but is present in 0.1% (43/34332) of Latino alleles in the Genome Aggregation Database. This variant is present in ClinVar (Variation ID:379763). Evolutionary conservation and computational predictive tools for this variant are unclear. In summary, data on this variant is insufficient for disease classification. Therefore, the clinical significance of this variant is uncertain.

Literature cited by the submitters: PubMed 32827758 (cited by Athena Diagnostics).

NM_015443.4(KANSL1):c.1652C>T (p.Thr551Ile)

Gene: KANSL1 (KAT8 regulatory NSL complex subunit 1). Cytogenetic location: 17q21.31.
Variant type: single nucleotide variant.
Coding change: c.1652C>T on transcript NM_015443.4 (MANE Select); coding-DNA position 1652, C replaced by T.
Protein change: p.Thr551Ile; replaces threonine 551 with isoleucine.
Molecular consequence: missense variant.
Genome position (GRCh38, 1-based): chr17:46,067,549, G>A on the plus strand (C>T on the coding strand, the complement: KANSL1 is on the minus strand). VCF-style: chr17-46067549-G-A. GRCh37 (hg19) VCF-style: chr17-44144915-G-A.
Other names: c.1652C>T, p.Thr551Ile (NM_001193465.2, NM_001193466.2, NM_001379198.1); short protein forms T551I.
Identifiers: ClinVar variation 379763 (VCV000379763.19), dbSNP rs778178483, ClinGen allele CA16607671.